The following is an entry in ClinVar:

Conditions:
Breast-ovarian cancer, familial, susceptibility to, 1 (BROVCA1). Also called: BRCA1 Hereditary Breast and Ovarian Cancer; OVARIAN CANCER, SUSCEPTIBILITY TO. Identifiers: Orphanet 145, MedGen C2676676, MONDO:0011450, OMIM 604370. Disease mechanism: loss of function.

Submission:

Brotman Baty Institute, University of Washington
No classification provided (evidence only). Condition: Breast-ovarian cancer, familial 1. Review status: no classification provided. Collection method: in vitro. Allele origin: not applicable. Functional consequence: functionally_normal.
ClinVar note: "not provided" was previously submitted as the classification for the variant. However, the classification appeared to be based only on an observation of functional data so it was converted to no classification on 2025-07-30.

NM_007294.4(BRCA1):c.5454C>G (p.Asp1818Glu)

Gene: BRCA1 (BRCA1 DNA repair associated; minus strand). Cytogenetic location: 17q21.31.
Variant type: single nucleotide variant.
Coding change: c.5454C>G on transcript NM_007294.4 (MANE Select); coding-DNA position 5454, C replaced by G.
Protein change: p.Asp1818Glu; replaces aspartic acid 1818 with glutamic acid.
Molecular consequence: missense variant. On other transcripts: non-coding transcript variant (1).
Genome position (GRCh38, 1-based): chr17:43,047,656, G>C on the plus strand (C>G on the coding strand, the complement: BRCA1 is on the minus strand). VCF-style: chr17-43047656-G-C. GRCh37 (hg19) VCF-style: chr17-41199673-G-C.
Other names: c.5241C>G, p.Asp1747Glu (NM_001407571.1, NM_001407907.1, NM_001407908.1 and 12 more transcripts); c.5520C>G, p.Asp1840Glu (NM_001407581.1, NM_001407582.1); c.5517C>G, p.Asp1839Glu (NM_001407583.1, NM_001407585.1, NM_001407587.1 and 1 more transcripts); c.5514C>G, p.Asp1838Glu (NM_001407590.1, NM_001407591.1); c.5454C>G, p.Asp1818Glu (NM_001407593.1, NM_001407594.1, NM_001407596.1 and 5 more transcripts); c.5451C>G, p.Asp1817Glu (NM_001407614.1, NM_001407615.1, NM_001407616.1 and 14 more transcripts); c.5448C>G, p.Asp1816Glu (NM_001407633.1, NM_001407634.1, NM_001407635.1 and 13 more transcripts); c.5376C>G, p.Asp1792Glu (NM_001407655.1, NM_001407652.1, NM_001407653.1 and 1 more transcripts); and 83 more; short protein forms D1839E, Q690E, D1771E, D1818E, D714E, D1691E, D1747E, D1749E.
Identifiers: ClinVar variation 868508 (VCV000868508.3), dbSNP rs1555574705, ClinGen allele CA10590477.